The following is an entry in ClinVar:

NM_133259.4(LRPPRC):c.981del (p.Val328fs)

Gene: LRPPRC (leucine rich pentatricopeptide repeat containing; minus strand). Cytogenetic location: 2p21.
Variant type: Deletion.
Coding change: c.981del on transcript NM_133259.4 (MANE Select); coding-DNA position 981, one base deleted (A; older notation c.981delA).
Protein change: p.Val328fs; shifts the reading frame from valine 328.
Molecular consequence: frameshift variant.
Genome position (GRCh38, 1-based): chr2:43,974,642, T deleted on the plus strand (A on the coding strand, the reverse complement: LRPPRC is on the minus strand); the first of 5 consecutive T bases (chr2:43,974,642-43,974,646); deleting any one gives the same sequence. VCF-style (leftmost placement, unchanged base first): chr2-43974641-CT-C. GRCh37 (hg19) VCF-style: chr2-44201780-CT-C.
Other names: short protein forms V328fs.
Identifiers: ClinVar variation 5015853 (VCV005015853.1).

ClinVar aggregate classification (germline): Pathogenic (1 of 4 stars; one submission).

Conditions:
Congenital lactic acidosis, Saguenay-Lac-Saint-Jean type (MC4DN5). Also called: CYTOCHROME c OXIDASE DEFICIENCY, FRENCH CANADIAN TYPE; COX DEFICIENCY, FRENCH CANADIAN TYPE; MITOCHONDRIAL COMPLEX IV DEFICIENCY, NUCLEAR TYPE 5. Identifiers: Orphanet 70472, MedGen C1857355, MONDO:0009069, OMIM 220111.

Submission:

Myriad Genetics, Inc.
Classification: Pathogenic for Congenital lactic acidosis, Saguenay-Lac-Saint-Jean type. Last evaluated: 2026-05-02. Review status: criteria provided, single submitter. Criteria: Myriad Autosomal Dominant, Autosomal Recessive and X-Linked Classification Criteria (2023). Collection method: clinical testing. Allele origin: unknown.
Comment: NM_133259.3(LRPPRC):c.981delA(V328Lfs*12) is expected to be pathogenic in the context of Leigh syndrome, French-Canadian type. This variant is predicted to lead to an abnormal or absent protein product due to the creation of a premature termination codon in LRPPRC, a gene where loss-of-function variants are known to be pathogenic. Please note: this variant was assessed in the context of healthy population screening.